The following is an entry in ClinVar:

ClinVar aggregate classification (germline): Uncertain significance. Review status: criteria provided, multiple submitters, no conflicts (2 of 4 stars). 2 submissions from 2 submitters: Uncertain significance (2). Last evaluated 2025-10-14.

Conditions:
Hereditary cancer-predisposing syndrome. Also called: Tumor predisposition; Neoplastic Syndromes, Hereditary; Hereditary Cancer Syndrome; Hereditary neoplastic syndrome. Identifiers: Orphanet 140162, MedGen C0027672, MeSH D009386, MONDO:0015356.
Tumor predisposition syndrome 3 (TPDS3). Also called: Melanoma, cutaneous malignant, susceptibility to, 10; Glioma susceptibility 9; LONG TELOMERE SYNDROME, POT1-RELATED; POT1 Tumor Predisposition. Identifiers: Orphanet 618, MedGen C4014476, MONDO:0014368, OMIM 615848.

Allele frequency attached by ClinVar (database versions not stated): gnomAD exomes 0.00001; ExAC 0.00002; gnomAD 0.00002 and 0.00003; TOPMed 0.00002.
gnomAD v4.1: 11 of 1,612,080 alleles (0.00068%); highest among the groups gnomAD compares: Admixed American, 0.005%; no homozygotes.

Submissions (2):

Labcorp Genetics (formerly Invitae), Labcorp
Classification: Uncertain significance for Tumor predisposition syndrome 3. Last evaluated: 2025-10-14. Review status: criteria provided, single submitter. Criteria: Invitae Variant Classification Sherloc (09022015). Collection method: clinical testing. Allele origin: germline.
Comment: This sequence change replaces arginine, which is basic and polar, with glutamine, which is neutral and polar, at codon 432 of the POT1 protein (p.Arg432Gln). This variant is present in population databases (rs772590775, gnomAD 0.005%). This missense change has been observed in individual(s) with melanoma (PMID: 38724174). ClinVar contains an entry for this variant (Variation ID: 651364). Invitae Evidence Modeling of protein sequence and biophysical properties (such as structural, functional, and spatial information, amino acid conservation, physicochemical variation, residue mobility, and thermodynamic stability) indicates that this missense variant is not expected to disrupt POT1 protein function with a negative predictive value of 80%. In summary, the available evidence is currently insufficient to determine the role of this variant in disease. Therefore, it has been classified as a Variant of Uncertain Significance.

Ambry Genetics
Classification: Uncertain significance for Hereditary cancer-predisposing syndrome. Last evaluated: 2023-12-06. Review status: criteria provided, single submitter. Criteria: Ambry Variant Classification Scheme 2023. Collection method: clinical testing. Allele origin: germline.
Comment: The p.R432Q variant (also known as c.1295G>A), located in coding exon 10 of the POT1 gene, results from a G to A substitution at nucleotide position 1295. The arginine at codon 432 is replaced by glutamine, an amino acid with highly similar properties. This amino acid position is highly conserved in available vertebrate species. In addition, the in silico prediction for this alteration is inconclusive. Since supporting evidence is limited at this time, the clinical significance of this alteration remains unclear.

Literature cited by the submitters: PubMed 38724174 (cited by Labcorp Genetics (formerly Invitae), Labcorp).

NM_015450.3(POT1):c.1295G>A (p.Arg432Gln)

Gene: POT1 (protection of telomeres 1; minus strand). Cytogenetic location: 7q31.33.
Variant type: single nucleotide variant.
Coding change: c.1295G>A on transcript NM_015450.3 (MANE Select); coding-DNA position 1295, G replaced by A.
Protein change: p.Arg432Gln; replaces arginine 432 with glutamine.
Molecular consequence: missense variant. On other transcripts: non-coding transcript variant (3).
Genome position (GRCh38, 1-based): chr7:124,841,047, C>T on the plus strand (G>A on the coding strand, the complement: POT1 is on the minus strand). VCF-style: chr7-124841047-C-T. GRCh37 (hg19) VCF-style: chr7-124481101-C-T.
Other names: c.902G>A, p.Arg301Gln (NM_001042594.2); short protein forms R432Q, R301Q.
Identifiers: ClinVar variation 651364 (VCV000651364.13), dbSNP rs772590775, ClinGen allele CA4465171.
Genomic context (GRCh38, chr7:124,841,047, plus strand): 5'-AGACATTCATTTGAAAGCGGGAGAATACCATTATTTTTCACAAAATGAACTGCTACTTTT[C>T]GTCCTTTTTGATTTTTAGTGGTCCAGATTTTTGAATCATATAATGATGTATTTTGTAGCT-3'
Protein context (NP_056265.2, residues 422-442): KIWTTKNQKG[Arg432Gln]KVAVHFVKNN